The following is an entry in ClinVar:

NM_001692.4(ATP6V1B1):c.1230A>G (p.Gly410=)

Gene: ATP6V1B1 (ATPase H+ transporting V1 subunit B1; plus strand). Cytogenetic location: 2p13.3.
Variant type: single nucleotide variant.
Coding change: c.1230A>G on transcript NM_001692.4 (MANE Select); coding-DNA position 1230, A replaced by G.
Protein change: p.Gly410=; no amino-acid change (glycine 410 retained).
Molecular consequence: synonymous variant.
Genome position (GRCh38, 1-based): chr2:70,964,524, A>G. VCF-style: chr2-70964524-A-G. GRCh37 (hg19) VCF-style: chr2-71191654-A-G.
Identifiers: ClinVar variation 724336 (VCV000724336.15), dbSNP rs143225024, ClinGen allele CA1701297.

ClinVar aggregate classification (germline): Likely benign. Review status: criteria provided, multiple submitters, no conflicts (2 of 4 stars). 4 submissions from 4 submitters: Likely benign (3). 1 of the submissions does not count toward it. Last evaluated 2026-01-18.

Conditions:
ATP6V1B1-related disorder. Also called: ATP6V1B1-related condition.

Allele frequency attached by ClinVar (database versions not stated): gnomAD exomes 0.00005 and 0.00011; ExAC 0.00013; gnomAD 0.00042 and 0.00046; TOPMed 0.00049; ESP Exome Variant Server 0.00054.
gnomAD v4.1: 143 of 1,614,150 alleles (0.0089%); highest among the groups gnomAD compares: African/African-American, 0.15%; no homozygotes.

Submissions (4):

Labcorp Genetics (formerly Invitae), Labcorp
Classification: Likely benign. Last evaluated: 2026-01-18. Review status: criteria provided, single submitter. Criteria: Invitae Variant Classification Sherloc (09022015). Collection method: clinical testing. Allele origin: germline.

Blueprint Genetics
Classification: Likely benign. Last evaluated: 2022-11-14. Review status: criteria provided, single submitter. Criteria: ACMG Guidelines, 2015. Collection method: clinical testing. Allele origin: germline.

GeneDx
Classification: Likely benign. Last evaluated: 2021-04-30. Review status: criteria provided, single submitter. Criteria: GeneDx Variant Classification Process June 2021. Collection method: clinical testing. Allele origin: germline. Affected: yes.

PreventionGenetics, part of Exact Sciences
Classification: Likely benign for ATP6V1B1-related condition. Last evaluated: 2019-03-06. Review status: no assertion criteria provided. Collection method: clinical testing. Allele origin: germline. Not counted in ClinVar's aggregate classification.
Comment: This variant is classified as likely benign based on ACMG/AMP sequence variant interpretation guidelines (Richards et al. 2015 PMID: 25741868, with internal and published modifications).